The following is an entry in ClinVar:

ClinVar aggregate classification (germline): Likely pathogenic (1 of 4 stars; one submission).

Conditions:
Hereditary nonpolyposis colorectal neoplasms. Identifiers: MedGen C0009405, MeSH D003123.

Submission:

Labcorp Genetics (formerly Invitae), Labcorp
Classification: Likely pathogenic for Hereditary nonpolyposis colorectal neoplasms. Last evaluated: 2024-05-01. Review status: criteria provided, single submitter. Criteria: Invitae Variant Classification Sherloc (09022015). Collection method: clinical testing. Allele origin: germline.
Comment: This sequence change affects a donor splice site in intron 11 of the PMS2 gene. It is expected to disrupt RNA splicing. Variants that disrupt the donor or acceptor splice site typically lead to a loss of protein function (PMID: 16199547), and loss-of-function variants in PMS2 are known to be pathogenic (PMID: 21376568, 24362816). This variant is not present in population databases (gnomAD no frequency). This variant has not been reported in the literature in individuals affected with PMS2-related conditions. ClinVar contains an entry for this variant (Variation ID: 455680). Studies have shown that disruption of this splice site is associated with altered splicing resulting in multiple RNA products (Invitae). In summary, the currently available evidence indicates that the variant is pathogenic, but additional data are needed to prove that conclusively. Therefore, this variant has been classified as Likely Pathogenic.

Literature cited by the submitters: PubMed 16199547; PubMed 21376568; PubMed 24362816.

NM_000535.7(PMS2):c.2006+1G>C

Gene: PMS2 (PMS1 homolog 2, mismatch repair system component; minus strand). Cytogenetic location: 7p22.1.
Variant type: single nucleotide variant.
Coding change: c.2006+1G>C on transcript NM_000535.7 (MANE Select); the canonical splice donor site of the intron after coding-DNA position 2006, G replaced by C.
Molecular consequence: splice donor variant. On other transcripts: intron variant (1).
Genome position (GRCh38, 1-based): chr7:5,986,758, C>G on the plus strand (G>C on the coding strand, the complement: PMS2 is on the minus strand). VCF-style: chr7-5986758-C-G. GRCh37 (hg19) VCF-style: chr7-6026389-C-G.
Other names: c.2006+1G>C (NM_001406872.1, NM_001406871.1, NM_001322014.2); c.1697+1G>C (NM_001406878.1, NM_001406882.1, NM_001406875.1 and 5 more transcripts); c.2030+1G>C (NM_001406868.1); c.1601+1G>C (NM_001406891.1, NM_001406899.1, NM_001406893.1 and 16 more transcripts); c.2192+1G>C (NM_001406866.1); c.1688+1G>C (NM_001322008.2, NM_001406883.1, NM_001406903.1 and 2 more transcripts); c.1235+1G>C (NM_001406911.1); c.1445+1G>C (NM_001322010.2, NM_001406906.1, NM_001406907.1); and 13 more.
Identifiers: ClinVar variation 455680 (VCV000455680.9), dbSNP rs1554297040, ClinGen allele CA366738837.